The following is an entry in ClinVar:

ClinVar aggregate classification (germline): Uncertain significance. Review status: criteria provided, multiple submitters, no conflicts (2 of 4 stars). 3 submissions from 3 submitters: Uncertain significance (3). Last evaluated 2026-05-12.

Conditions:
Cardiovascular phenotype. Identifiers: MedGen CN230736.

Allele frequency attached by ClinVar (database versions not stated): TOPMed 0.00002; gnomAD exomes 0.00005; ExAC 0.00006; gnomAD 0.00003.
gnomAD v4.1: 70 of 1,550,272 alleles (0.0045%); highest among the groups gnomAD compares: Non-Finnish European, 0.0057%; no homozygotes.

Submissions (3):

Women's Health and Genetics/Laboratory Corporation of America, LabCorp
Classification: Uncertain significance. Last evaluated: 2026-05-12. Review status: criteria provided, single submitter. Criteria: LabCorp Variant Classification Summary - May 2015. Collection method: clinical testing. Allele origin: germline.
Comment: Variant summary: ZNF469 c.2587A>T (p.Ser863Cys) results in a non-conservative amino acid change in the encoded protein sequence. Algorithms developed to predict the effect of missense changes on protein structure and function are either unavailable or do not agree on the potential impact of this missense change. The variant allele was found at a frequency of 1.3e-05 in 151048 control chromosomes. The available data on variant occurrences in the general population are insufficient to allow any conclusion about variant significance. To our knowledge, no occurrence of c.2587A>T in individuals affected with ZNF469-related conditions and no experimental evidence demonstrating its impact on protein function have been reported. ClinVar contains an entry for this variant (Variation ID: 1793441). Based on the evidence outlined above, the variant was classified as uncertain significance.

Ambry Genetics
Classification: Uncertain significance for Cardiovascular phenotype. Last evaluated: 2024-11-10. Review status: criteria provided, single submitter. Criteria: Ambry Variant Classification Scheme 2023. Collection method: clinical testing. Allele origin: germline.
Comment: The p.S863C variant (also known as c.2587A>T), located in coding exon 1 of the ZNF469 gene, results from an A to T substitution at nucleotide position 2587. The serine at codon 863 is replaced by cysteine, an amino acid with dissimilar properties. This amino acid position is conserved. In addition, the in silico prediction for this alteration is inconclusive. Since supporting evidence is limited at this time, the clinical significance of this alteration remains unclear.

Labcorp Genetics (formerly Invitae), Labcorp
Classification: Uncertain significance. Last evaluated: 2022-04-06. Review status: criteria provided, single submitter. Criteria: Invitae Variant Classification Sherloc (09022015). Collection method: clinical testing. Allele origin: germline.
Comment: This sequence change replaces serine, which is neutral and polar, with cysteine, which is neutral and slightly polar, at codon 863 of the ZNF469 protein (p.Ser863Cys). This variant is present in population databases (rs764106193, gnomAD 0.004%). This variant has not been reported in the literature in individuals affected with ZNF469-related conditions. Algorithms developed to predict the effect of missense changes on protein structure and function are either unavailable or do not agree on the potential impact of this missense change (SIFT: "Deleterious"; PolyPhen-2: "Probably Damaging"; Align-GVGD: "Class C0"). In summary, the available evidence is currently insufficient to determine the role of this variant in disease. Therefore, it has been classified as a Variant of Uncertain Significance.

NM_001367624.2(ZNF469):c.2587A>T (p.Ser863Cys)

Gene: ZNF469 (zinc finger protein 469; plus strand). Cytogenetic location: 16q24.2.
Variant type: single nucleotide variant.
Coding change: c.2587A>T on transcript NM_001367624.2 (MANE Select); coding-DNA position 2587, A replaced by T.
Protein change: p.Ser863Cys; replaces serine 863 with cysteine.
Molecular consequence: missense variant.
Genome position (GRCh38, 1-based): chr16:88,430,057, A>T. VCF-style: chr16-88430057-A-T. GRCh37 (hg19) VCF-style: chr16-88496465-A-T.
Other names: NM_001127464.1:c.2587A>T; short protein forms S863C.
Identifiers: ClinVar variation 1793441 (VCV001793441.6), dbSNP rs764106193, ClinGen allele CA8224784.